The following is an entry in ClinVar:

NC_000011.10:g.64591133T>C

Gene: SLC22A12 (solute carrier family 22 member 12; plus strand). Cytogenetic location: 11q13.1.
Variant type: single nucleotide variant.
Genome position: GRCh38 VCF-style: chr11-64591133-T-C. GRCh37 (hg19) VCF-style: chr11-64358605-T-C.
Identifiers: ClinVar variation 305218 (VCV000305218.10), dbSNP rs559946, ClinGen allele CA10635210.

ClinVar aggregate classification (germline): Benign. Review status: criteria provided, multiple submitters, no conflicts (2 of 4 stars). 2 submissions from 2 submitters: Benign (2). Last evaluated 2018-11-12.

Allele frequency attached by ClinVar (database versions not stated): gnomAD exomes 0.34898; gnomAD 0.45228 and 0.45464; TOPMed 0.46701; 1000 Genomes Project 30x 0.57089; 1000 Genomes Project 0.57188.

Submissions (2):

GeneDx
Classification: Benign. Last evaluated: 2018-11-12. Review status: criteria provided, single submitter. Criteria: GeneDx Variant Classification Process June 2021. Collection method: clinical testing. Allele origin: germline. Affected: yes.
Comment: This variant is associated with the following publications: (PMID: 23981340)

Breakthrough Genomics
Classification: Benign. Review status: criteria provided, single submitter. Criteria: ACMG Guidelines, 2015. Collection method: not provided. Allele origin: germline. Inheritance: Autosomal recessive inheritance. Affected: yes.